The following is an entry in ClinVar:

NM_001142800.2(EYS):c.3493T>C (p.Cys1165Arg)

Gene: EYS (EGF-like photoreceptor maintenance factor; minus strand). Cytogenetic location: 6q12.
Variant type: single nucleotide variant.
Coding change: c.3493T>C on transcript NM_001142800.2 (MANE Select); coding-DNA position 3493, T replaced by C.
Protein change: p.Cys1165Arg; replaces cysteine 1165 with arginine.
Molecular consequence: missense variant.
Genome position (GRCh38, 1-based): chr6:64,626,196, A>G on the plus strand (T>C on the coding strand, the complement: EYS is on the minus strand). VCF-style: chr6-64626196-A-G. GRCh37 (hg19) VCF-style: chr6-65336089-A-G.
Other names: c.3493T>C, p.Cys1165Arg (NM_001292009.2); short protein forms C1165R.
Identifiers: ClinVar variation 2153046 (VCV002153046.3), dbSNP rs758971677, ClinGen allele CA3877158.
Genomic context (GRCh38, chr6:64,626,196, plus strand): 5'-AAACATATCCATTGATGTGATCTTCACAGTCTGCACCATGTAGACATGGTGATGAAGAGC[A>G]TTCATTTATATTAATTTCACAAAATTGACCAGAAAATCCAGGAAGACATCTAAGGAAAAA-3'
Protein context (NP_001136272.1, residues 1155-1175): GQFCEININE[Cys1165Arg]SSSPCLHGAD

ClinVar aggregate classification (germline): Uncertain significance. Review status: criteria provided, multiple submitters, no conflicts (2 of 4 stars). 3 submissions from 3 submitters: Uncertain significance (2). 1 of the submissions does not count toward it. Last evaluated 2022-10-17.

Conditions:
Retinal dystrophy. Also called: Inherited retinal dystrophy. Identifiers: Orphanet 71862, MedGen C0854723, MeSH D058499, MONDO:0019118, HP:0000556.

Allele frequency attached by ClinVar (database versions not stated): gnomAD 0.00001; gnomAD exomes 0.00002; TOPMed 0.00002; ExAC 0.00010.
gnomAD v4.1: 34 of 1,536,392 alleles (0.0022%); highest among the groups gnomAD compares: Middle Eastern, 0.018%; no homozygotes.

Submissions (3):

Labcorp Genetics (formerly Invitae), Labcorp
Classification: Uncertain significance. Last evaluated: 2022-10-17. Review status: criteria provided, single submitter. Criteria: Invitae Variant Classification Sherloc (09022015). Collection method: clinical testing. Allele origin: germline.
Comment: This sequence change replaces cysteine, which is neutral and slightly polar, with arginine, which is basic and polar, at codon 1165 of the EYS protein (p.Cys1165Arg). This variant is present in population databases (rs758971677, gnomAD 0.02%). This variant has not been reported in the literature in individuals affected with EYS-related conditions. Algorithms developed to predict the effect of missense changes on protein structure and function (SIFT, PolyPhen-2, Align-GVGD) all suggest that this variant is likely to be disruptive. In summary, the available evidence is currently insufficient to determine the role of this variant in disease. Therefore, it has been classified as a Variant of Uncertain Significance.

Blueprint Genetics
Classification: Uncertain significance. Last evaluated: 2022-02-28. Review status: criteria provided, single submitter. Criteria: ACMG Guidelines, 2015. Collection method: clinical testing. Allele origin: germline.

Institute of Human Genetics, Univ. Regensburg, Univ. Regensburg
Classification: Uncertain significance for Retinal dystrophy. Last evaluated: 2022-01-01. Review status: no assertion criteria provided. Criteria: ACMG Guidelines, 2015. Collection method: clinical testing. Allele origin: germline. Affected: yes. Not counted in ClinVar's aggregate classification.